The following continues an entry in ClinVar:

NM_001243279.3(ACSF3):c.1367-13C>G

Gene: ACSF3. ClinVar aggregate classification (germline): Benign. Benign (4).

Submissions 33 to 53 of 53:

Dr. Peter K. Rogan Lab, Western University
No classification provided (evidence only). Condition: Thymoma. Review status: no classification provided. Collection method: in vitro. Allele origin: not applicable. Functional consequence: retained intron. Not counted in ClinVar's aggregate classification.

Dr. Peter K. Rogan Lab, Western University
No classification provided (evidence only). Condition: Thymoma. Review status: no classification provided. Collection method: in vitro. Allele origin: not applicable. Functional consequence: retained intron. Not counted in ClinVar's aggregate classification.

Dr. Peter K. Rogan Lab, Western University
No classification provided (evidence only). Condition: Thymoma. Review status: no classification provided. Collection method: in vitro. Allele origin: not applicable. Functional consequence: retained intron. Not counted in ClinVar's aggregate classification.

Dr. Peter K. Rogan Lab, Western University
No classification provided (evidence only). Condition: Thymoma. Review status: no classification provided. Collection method: in vitro. Allele origin: not applicable. Functional consequence: retained intron. Not counted in ClinVar's aggregate classification.

Dr. Peter K. Rogan Lab, Western University
No classification provided (evidence only). Condition: Thymoma. Review status: no classification provided. Collection method: in vitro. Allele origin: not applicable. Functional consequence: retained intron. Not counted in ClinVar's aggregate classification.

Dr. Peter K. Rogan Lab, Western University
No classification provided (evidence only). Condition: Cholangiocarcinoma. Review status: no classification provided. Collection method: in vitro. Allele origin: not applicable. Functional consequence: retained intron. Not counted in ClinVar's aggregate classification.

Dr. Peter K. Rogan Lab, Western University
No classification provided (evidence only). Condition: Ovarian serous cystadenocarcinoma. Review status: no classification provided. Collection method: in vitro. Allele origin: not applicable. Functional consequence: retained intron. Not counted in ClinVar's aggregate classification.

Dr. Peter K. Rogan Lab, Western University
No classification provided (evidence only). Condition: Ovarian serous cystadenocarcinoma. Review status: no classification provided. Collection method: in vitro. Allele origin: not applicable. Functional consequence: retained intron. Not counted in ClinVar's aggregate classification.

Dr. Peter K. Rogan Lab, Western University
No classification provided (evidence only). Condition: Ovarian serous cystadenocarcinoma. Review status: no classification provided. Collection method: in vitro. Allele origin: not applicable. Functional consequence: retained intron. Not counted in ClinVar's aggregate classification.

Dr. Peter K. Rogan Lab, Western University
No classification provided (evidence only). Condition: Ovarian serous cystadenocarcinoma. Review status: no classification provided. Collection method: in vitro. Allele origin: not applicable. Functional consequence: retained intron. Not counted in ClinVar's aggregate classification.

Dr. Peter K. Rogan Lab, Western University
No classification provided (evidence only). Condition: Ovarian serous cystadenocarcinoma. Review status: no classification provided. Collection method: in vitro. Allele origin: not applicable. Functional consequence: retained intron. Not counted in ClinVar's aggregate classification.

Dr. Peter K. Rogan Lab, Western University
No classification provided (evidence only). Condition: Ovarian serous cystadenocarcinoma. Review status: no classification provided. Collection method: in vitro. Allele origin: not applicable. Functional consequence: retained intron. Not counted in ClinVar's aggregate classification.

Dr. Peter K. Rogan Lab, Western University
No classification provided (evidence only). Condition: Ovarian serous cystadenocarcinoma. Review status: no classification provided. Collection method: in vitro. Allele origin: not applicable. Functional consequence: retained intron. Not counted in ClinVar's aggregate classification.

Dr. Peter K. Rogan Lab, Western University
No classification provided (evidence only). Condition: Uterine carcinosarcoma. Review status: no classification provided. Collection method: in vitro. Allele origin: not applicable. Functional consequence: retained intron. Not counted in ClinVar's aggregate classification.

Dr. Peter K. Rogan Lab, Western University
No classification provided (evidence only). Condition: Uterine carcinosarcoma. Review status: no classification provided. Collection method: in vitro. Allele origin: not applicable. Functional consequence: retained intron. Not counted in ClinVar's aggregate classification.

Dr. Peter K. Rogan Lab, Western University
No classification provided (evidence only). Condition: Uterine carcinosarcoma. Review status: no classification provided. Collection method: in vitro. Allele origin: not applicable. Functional consequence: retained intron. Not counted in ClinVar's aggregate classification.

Dr. Peter K. Rogan Lab, Western University
No classification provided (evidence only). Condition: Uveal melanoma. Review status: no classification provided. Collection method: in vitro. Allele origin: not applicable. Functional consequence: retained intron. Not counted in ClinVar's aggregate classification.

Dr. Peter K. Rogan Lab, Western University
No classification provided (evidence only). Condition: Uveal melanoma. Review status: no classification provided. Collection method: in vitro. Allele origin: not applicable. Functional consequence: retained intron. Not counted in ClinVar's aggregate classification.

Dr. Peter K. Rogan Lab, Western University
No classification provided (evidence only). Condition: Uveal melanoma. Review status: no classification provided. Collection method: in vitro. Allele origin: not applicable. Functional consequence: retained intron. Not counted in ClinVar's aggregate classification.

Dr. Peter K. Rogan Lab, Western University
No classification provided (evidence only). Condition: Uveal melanoma. Review status: no classification provided. Collection method: in vitro. Allele origin: not applicable. Functional consequence: retained intron. Not counted in ClinVar's aggregate classification.

Dr. Peter K. Rogan Lab, Western University
No classification provided (evidence only). Condition: Lymphoma. Review status: no classification provided. Collection method: in vitro. Allele origin: not applicable. Functional consequence: retained intron. Not counted in ClinVar's aggregate classification.